The following is an entry in ClinVar:

ClinVar aggregate classification (germline): Uncertain significance (0 of 4 stars; one submission).

Submission:

Genetic Services Laboratory, University of Chicago
Classification: Uncertain significance. Last evaluated: 2022-07-15. Review status: no assertion criteria provided. Collection method: clinical testing. Allele origin: germline. Affected: no.
Comment: DNA sequence analysis of the KIAA0586 gene demonstrated a sequence change, c.731C>A, in exon 7 that results in an amino acid change, p.Ala244Asp. This sequence change does not appear to have been previously described in individuals with KIAA0586-related disorders and has also not been described in population databases such as ExAC and gnomAD. The p.Ala244Asp change affects a highly conserved amino acid residue. In-silico pathogenicity prediction tools (SIFT, PolyPhen2, Align GVGD, REVEL) provide contradictory results for the p.Ala244Asp substitution. Due to insufficient evidences and the lack of functional studies, the clinical significance of the p.Ala244Asp change remains unknown at this time.

NM_001329943.3(KIAA0586):c.572C>A (p.Ala191Asp)

Gene: KIAA0586 (KIAA0586; plus strand). Cytogenetic location: 14q23.1.
Variant type: single nucleotide variant.
Coding change: c.572C>A on transcript NM_001329943.3 (MANE Select); coding-DNA position 572, C replaced by A.
Protein change: p.Ala191Asp; replaces alanine 191 with aspartic acid.
Molecular consequence: missense variant.
Genome position (GRCh38, 1-based): chr14:58,442,867, C>A. VCF-style: chr14-58442867-C-A. GRCh37 (hg19) VCF-style: chr14-58909585-C-A.
Other names: c.731C>A, p.Ala244Asp (NM_001244189.2); c.527C>A, p.Ala176Asp (NM_001244190.2); c.317C>A, p.Ala106Asp (NM_001244191.2, NM_001329945.2, NM_001364700.1 and 1 more transcripts); c.440C>A, p.Ala147Asp (NM_001244192.2); c.152C>A, p.Ala51Asp (NM_001244193.2); c.572C>A, p.Ala191Asp (NM_001329944.2, NM_001329946.2, NM_001329947.2 and 1 more transcripts); short protein forms A106D, A147D, A176D, A191D, A244D, A51D.
Identifiers: ClinVar variation 2443155 (VCV002443155.2), dbSNP rs2542791276, ClinGen allele CA389862035.